The following is an entry in ClinVar:

NM_014874.4(MFN2):c.1688G>A (p.Arg563His)

Genes: MFN2 (mitofusin 2; plus strand), LOC129929426 (ATAC-STARR-seq lymphoblastoid active region 185; plus strand). Cytogenetic location: 1p36.22.
Variant type: single nucleotide variant.
Coding change: c.1688G>A on transcript NM_014874.4 (MANE Select); coding-DNA position 1688, G replaced by A.
Protein change: p.Arg563His; replaces arginine 563 with histidine.
Molecular consequence: missense variant.
Genome position (GRCh38, 1-based): chr1:12,005,903, G>A. VCF-style: chr1-12005903-G-A. GRCh37 (hg19) VCF-style: chr1-12065960-G-A.
Other names: c.1688G>A (NM_014874.3); c.1688G>A, p.Arg563His (NM_001127660.2); short protein forms R563H.
Identifiers: ClinVar variation 1403216 (VCV001403216.7), dbSNP rs771845093, ClinGen allele CA599171.

ClinVar aggregate classification (germline): Uncertain significance. Review status: criteria provided, multiple submitters, no conflicts (2 of 4 stars). 2 submissions from 2 submitters: Uncertain significance (2). Last evaluated 2025-06-12.

Conditions:
Charcot-Marie-Tooth disease type 2. Also called: Charcot-Marie-Tooth type 2. Identifiers: Orphanet 64746, MedGen C0270914, MONDO:0018993.

Allele frequency attached by ClinVar (database versions not stated): gnomAD 0.00001; ExAC 0.00002; gnomAD exomes 0.00001.
gnomAD v4.1: 11 of 1,613,792 alleles (0.00068%); highest among the groups gnomAD compares: South Asian, 0.0011%; no homozygotes.

Submissions (2):

GeneDx
Classification: Uncertain significance. Last evaluated: 2025-06-12. Review status: criteria provided, single submitter. Criteria: GeneDx Variant Classification Process June 2021. Collection method: clinical testing. Allele origin: germline. Affected: yes.
Comment: Has not been previously published as pathogenic or benign to our knowledge; Not observed at significant frequency in large population cohorts (gnomAD); In silico analysis suggests that this missense variant does not alter protein structure/function

Labcorp Genetics (formerly Invitae), Labcorp
Classification: Uncertain significance for Charcot-Marie-Tooth disease type 2. Last evaluated: 2023-01-14. Review status: criteria provided, single submitter. Criteria: Invitae Variant Classification Sherloc (09022015). Collection method: clinical testing. Allele origin: germline.
Comment: ClinVar contains an entry for this variant (Variation ID: 1403216). This variant has not been reported in the literature in individuals affected with MFN2-related conditions. This variant is present in population databases (rs771845093, gnomAD 0.002%). This sequence change replaces arginine, which is basic and polar, with histidine, which is basic and polar, at codon 563 of the MFN2 protein (p.Arg563His). Advanced modeling of protein sequence and biophysical properties (such as structural, functional, and spatial information, amino acid conservation, physicochemical variation, residue mobility, and thermodynamic stability) has been performed at Invitae for this missense variant, however the output from this modeling did not meet the statistical confidence thresholds required to predict the impact of this variant on MFN2 protein function. In summary, the available evidence is currently insufficient to determine the role of this variant in disease. Therefore, it has been classified as a Variant of Uncertain Significance.